The following is an entry in ClinVar:

ClinVar aggregate classification (germline): Uncertain significance (1 of 4 stars; one submission).

Conditions:
Aicardi-Goutieres syndrome 5. Identifiers: Orphanet 51, MedGen C2749659, MONDO:0013059, OMIM 612952.

gnomAD v4.1: 2 of 1,612,472 alleles (0.00012%); highest among the groups gnomAD compares: Non-Finnish European, 0.00017%; no homozygotes.

Submission:

Labcorp Genetics (formerly Invitae), Labcorp
Classification: Uncertain significance for Aicardi-Goutieres syndrome 5. Last evaluated: 2021-11-02. Review status: criteria provided, single submitter. Criteria: Invitae Variant Classification Sherloc (09022015). Collection method: clinical testing. Allele origin: germline.
Comment: This variant has not been reported in the literature in individuals affected with SAMHD1-related conditions. This variant is not present in population databases (gnomAD no frequency). This sequence change replaces threonine, which is neutral and polar, with isoleucine, which is neutral and non-polar, at codon 533 of the SAMHD1 protein (p.Thr533Ile). Algorithms developed to predict the effect of missense changes on protein structure and function (SIFT, PolyPhen-2, Align-GVGD) all suggest that this variant is likely to be tolerated. In summary, the available evidence is currently insufficient to determine the role of this variant in disease. Therefore, it has been classified as a Variant of Uncertain Significance.

NM_015474.4(SAMHD1):c.1598C>T (p.Thr533Ile)

Gene: SAMHD1 (SAM and HD domain containing deoxynucleoside triphosphate triphosphohydrolase 1; minus strand). Cytogenetic location: 20q11.23.
Variant type: single nucleotide variant.
Coding change: c.1598C>T on transcript NM_015474.4 (MANE Select); coding-DNA position 1598, C replaced by T.
Protein change: p.Thr533Ile; replaces threonine 533 with isoleucine.
Molecular consequence: missense variant. On other transcripts: intron variant (1).
Genome position (GRCh38, 1-based): chr20:36,898,450, G>A on the plus strand (C>T on the coding strand, the complement: SAMHD1 is on the minus strand). VCF-style: chr20-36898450-G-A. GRCh37 (hg19) VCF-style: chr20-35526853-G-A.
Other names: c.1598C>T, p.Thr533Ile (NM_001363733.2); c.1504-491C>T (NM_001363729.2); short protein forms T533I.
Identifiers: ClinVar variation 1389177 (VCV001389177.6), dbSNP rs2148355946, ClinGen allele CA408840066.